The following is an entry in ClinVar:

ClinVar aggregate classification (germline): Uncertain significance (1 of 4 stars; one submission).

Conditions:
Colorectal cancer, hereditary nonpolyposis, type 7. Identifiers: Orphanet 144, MedGen C1858380, MONDO:0013725, OMIM 614385.

Submission:

Labcorp Genetics (formerly Invitae), Labcorp
Classification: Uncertain significance for Colorectal cancer, hereditary nonpolyposis, type 7. Last evaluated: 2024-05-06. Review status: criteria provided, single submitter. Criteria: Invitae Variant Classification Sherloc (09022015). Collection method: clinical testing. Allele origin: germline.
Comment: This sequence change replaces threonine, which is neutral and polar, with serine, which is neutral and polar, at codon 138 of the MLH3 protein (p.Thr138Ser). This variant is not present in population databases (gnomAD no frequency). This variant has not been reported in the literature in individuals affected with MLH3-related conditions. Algorithms developed to predict the effect of missense changes on protein structure and function output the following: SIFT: "Not Available"; PolyPhen-2: "Benign"; Align-GVGD: "Not Available". The serine amino acid residue is found in multiple mammalian species, which suggests that this missense change does not adversely affect protein function. Algorithms developed to predict the effect of sequence changes on RNA splicing suggest that this variant may create or strengthen a splice site. In summary, the available evidence is currently insufficient to determine the role of this variant in disease. Therefore, it has been classified as a Variant of Uncertain Significance.

NM_001040108.2(MLH3):c.413C>G (p.Thr138Ser)

Gene: MLH3 (mutL homolog 3; minus strand). Cytogenetic location: 14q24.3.
Variant type: single nucleotide variant.
Coding change: c.413C>G on transcript NM_001040108.2 (MANE Select); coding-DNA position 413, C replaced by G.
Protein change: p.Thr138Ser; replaces threonine 138 with serine.
Molecular consequence: missense variant.
Genome position (GRCh38, 1-based): chr14:75,049,243, G>C on the plus strand (C>G on the coding strand, the complement: MLH3 is on the minus strand). VCF-style: chr14-75049243-G-C. GRCh37 (hg19) VCF-style: chr14-75515946-G-C.
Other names: c.413C>G, p.Thr138Ser (NM_014381.3); short protein forms T138S.
Identifiers: ClinVar variation 3714198 (VCV003714198.2).